The following is an entry in ClinVar:

NM_001271696.3(ABCB7):c.27G>T (p.Trp9Cys)

Genes: ABCB7 (ATP binding cassette subfamily B member 7; minus strand), LOC130068449 (ATAC-STARR-seq lymphoblastoid active region 29770; plus strand). Cytogenetic location: Xq13.3.
Variant type: single nucleotide variant.
Coding change: c.27G>T on transcript NM_001271696.3 (MANE Select); coding-DNA position 27, G replaced by T.
Protein change: p.Trp9Cys; replaces tryptophan 9 with cysteine.
Molecular consequence: missense variant.
Genome position (GRCh38, 1-based): chrX:75,156,246, C>A on the plus strand (G>T on the coding strand, the complement: ABCB7 is on the minus strand). VCF-style: chrX-75156246-C-A. GRCh37 (hg19) VCF-style: chrX-74376081-C-A.
Other names: c.27G>T, p.Trp9Cys (NM_001271697.3, NM_001271698.3, NM_001271699.3 and 1 more transcripts); short protein forms W9C.
Identifiers: ClinVar variation 4681383 (VCV004681383.5).
Genomic context (GRCh38, chrX:75,156,246, plus strand): 5'-CCGGATCAGAATCGCGGAGTGCCGGCGCTTTTCGAAAGCAGCCGCCGCGGCCGCCCAGCG[C>A]CAAGAATGCATCGCGAGCAGCGCCATCTTGAGCGAGGAAAGAGGAACCGAGAGAAGAGGA-3'
Protein context (NP_001258625.1, residues 1-19): MALLAMHS[Trp9Cys]RWAAAAAAFE

ClinVar aggregate classification (germline): Likely benign (1 of 4 stars; one submission).

gnomAD v4.1: 6 of 1,204,292 alleles (0.0005%); highest among the groups gnomAD compares: South Asian, 0.0036%; no homozygotes.

Submission:

CeGaT Center for Human Genetics Tuebingen
Classification: Likely benign. Last evaluated: 2025-12-01. Review status: criteria provided, single submitter. Criteria: CeGaT Center For Human Genetics Tuebingen Variant Classification Criteria Version 2. Collection method: clinical testing. Allele origin: germline. Affected: yes. Observed: 1 variant allele.
Comment: ABCB7: BS2